The following is an entry in ClinVar:

ClinVar aggregate classification (germline): Pathogenic (1 of 4 stars; one submission).

Conditions:
Autosomal recessive nonsyndromic hearing loss 8 (DFNB8). Also called: NEUROSENSORY NONSYNDROMIC RECESSIVE DEAFNESS 8; Deafness, autosomal recessive 10. Identifiers: Orphanet 90636, MedGen C1832827, MONDO:0010987, OMIM 601072.

Submission:

Juno Genomics, Hangzhou Juno Genomics, Inc
Classification: Pathogenic for Autosomal recessive nonsyndromic hearing loss 8. Review status: criteria provided, single submitter. Criteria: ACMG Guidelines, 2015. Collection method: clinical testing. Allele origin: germline. Affected: yes.
Comment: Null variant in a gene where loss of function (LOF) is a known mechanism of disease.;Absent from controls (or at extremely low frequency if recessive) in Genome Aggregation Database, Exome Sequencing Project, 1000 Genomes Project, or Exome Aggregation Consortium.;For recessive disorders, detected in trans with a pathogenic variant.

NM_001256317.3(TMPRSS3):c.1033dup (p.Ala345fs)

Gene: TMPRSS3 (transmembrane serine protease 3; minus strand). Cytogenetic location: 21q22.3.
Variant type: Duplication.
Coding change: c.1033dup on transcript NM_001256317.3 (MANE Select); coding-DNA position 1033, one base duplicated (G; older notation c.1033dupG).
Protein change: p.Ala345fs; shifts the reading frame from alanine 345.
Molecular consequence: frameshift variant.
Genome position (GRCh38, 1-based): chr21:42,380,132, C duplicated on the plus strand (G on the coding strand, the reverse complement: TMPRSS3 is on the minus strand); the first of 6 consecutive C bases (chr21:42,380,132-42,380,137); duplicating any one gives the same sequence. VCF-style (leftmost placement, unchanged base first): chr21-42380131-G-GC. GRCh37 (hg19) VCF-style: chr21-43800240-G-GC.
Other names: c.1033dup, p.Ala345fs (NM_024022.4); c.652dup, p.Ala218fs (NM_032404.3); short protein forms A218fs, A345fs.
Identifiers: ClinVar variation 3381843 (VCV003381843.2).